The following is an entry in ClinVar:

NM_000388.4(CASR):c.293T>A (p.Phe98Tyr)

Gene: CASR (calcium sensing receptor; plus strand). Cytogenetic location: 3q21.1.
Variant type: single nucleotide variant.
Coding change: c.293T>A on transcript NM_000388.4 (MANE Select); coding-DNA position 293, T replaced by A.
Protein change: p.Phe98Tyr; replaces phenylalanine 98 with tyrosine.
Molecular consequence: missense variant.
Genome position (GRCh38, 1-based): chr3:122,257,188, T>A. VCF-style: chr3-122257188-T-A. GRCh37 (hg19) VCF-style: chr3-121976035-T-A.
Other names: c.293T>A, p.Phe98Tyr (NM_001178065.2); short protein forms F98Y.
Identifiers: ClinVar variation 1474533 (VCV001474533.6), dbSNP rs2074563967, ClinGen allele CA354362579.

ClinVar aggregate classification (germline): Uncertain significance (1 of 4 stars; one submission).

Conditions:
Autosomal dominant hypocalcemia 1 (HYPOC1). Also called: HYPOCALCEMIA, FAMILIAL. Identifiers: MedGen C3715128, MONDO:0011013, OMIM 601198.
Familial hypocalciuric hypercalcemia (FHH). Also called: Familial benign hypercalcemia. Identifiers: Orphanet 405, MedGen C1809471, MONDO:0018458.

Submission:

Labcorp Genetics (formerly Invitae), Labcorp
Classification: Uncertain significance for Familial hypocalciuric hypercalcemia; Autosomal dominant hypocalcemia 1. Last evaluated: 2021-08-02. Review status: criteria provided, single submitter. Criteria: Invitae Variant Classification Sherloc (09022015). Collection method: clinical testing. Allele origin: germline.
Comment: In summary, the available evidence is currently insufficient to determine the role of this variant in disease. Therefore, it has been classified as a Variant of Uncertain Significance. Algorithms developed to predict the effect of missense changes on protein structure and function are either unavailable or do not agree on the potential impact of this missense change (SIFT: "Deleterious"; PolyPhen-2: "Probably Damaging"; Align-GVGD: "Class C15"). This variant has not been reported in the literature in individuals affected with CASR-related conditions. This variant is not present in population databases (ExAC no frequency). This sequence change replaces phenylalanine with tyrosine at codon 98 of the CASR protein (p.Phe98Tyr). The phenylalanine residue is highly conserved and there is a small physicochemical difference between phenylalanine and tyrosine.